The following is an entry in ClinVar:

ClinVar aggregate classification (germline): Uncertain significance. Review status: criteria provided, multiple submitters, no conflicts (2 of 4 stars). 2 submissions from 2 submitters: Uncertain significance (2). Last evaluated 2023-11-15.

Conditions:
POLD1-related polyposis and colorectal cancer syndrome (CRCS10). Also called: Colorectal cancer 10; COLORECTAL CANCER, SUSCEPTIBILITY TO, ON CHROMOSOME 19q; Colorectal cancer, susceptibility to, 10. Identifiers: Orphanet 220460, MedGen C2675481, MONDO:0012953, OMIM 612591.
Hereditary cancer-predisposing syndrome. Also called: Tumor predisposition; Hereditary Cancer Syndrome; Hereditary neoplastic syndrome; Neoplastic Syndromes, Hereditary. Identifiers: Orphanet 140162, MedGen C0027672, MeSH D009386, MONDO:0015356.

Submissions (2):

Ambry Genetics
Classification: Uncertain significance for Hereditary cancer-predisposing syndrome. Last evaluated: 2023-11-15. Review status: criteria provided, single submitter. Criteria: Ambry Variant Classification Scheme 2023. Collection method: clinical testing. Allele origin: germline.
Comment: The p.D1075E variant (also known as c.3225C>G), located in coding exon 26 of the POLD1 gene, results from a C to G substitution at nucleotide position 3225. The aspartic acid at codon 1075 is replaced by glutamic acid, an amino acid with highly similar properties. This amino acid position is conserved. In addition, this alteration is predicted to be tolerated by in silico analysis. Since supporting evidence is limited at this time, the clinical significance of this alteration remains unclear.

Labcorp Genetics (formerly Invitae), Labcorp
Classification: Uncertain significance for POLD1-related polyposis and colorectal cancer syndrome. Last evaluated: 2022-03-08. Review status: criteria provided, single submitter. Criteria: Invitae Variant Classification Sherloc (09022015). Collection method: clinical testing. Allele origin: germline.
Comment: This sequence change replaces aspartic acid, which is acidic and polar, with glutamic acid, which is acidic and polar, at codon 1075 of the POLD1 protein (p.Asp1075Glu). This variant is not present in population databases (gnomAD no frequency). This variant has not been reported in the literature in individuals affected with POLD1-related conditions. ClinVar contains an entry for this variant (Variation ID: 857625). Algorithms developed to predict the effect of missense changes on protein structure and function are either unavailable or do not agree on the potential impact of this missense change (SIFT: "Deleterious"; PolyPhen-2: "Probably Damaging"; Align-GVGD: "Class C0"). In summary, the available evidence is currently insufficient to determine the role of this variant in disease. Therefore, it has been classified as a Variant of Uncertain Significance.

NM_002691.4(POLD1):c.3225C>G (p.Asp1075Glu)

Gene: POLD1 (DNA polymerase delta 1, catalytic subunit; plus strand). Cytogenetic location: 19q13.33.
Variant type: single nucleotide variant.
Coding change: c.3225C>G on transcript NM_002691.4 (MANE Select); coding-DNA position 3225, C replaced by G.
Protein change: p.Asp1075Glu; replaces aspartic acid 1075 with glutamic acid.
Molecular consequence: missense variant. On other transcripts: non-coding transcript variant (1).
Genome position (GRCh38, 1-based): chr19:50,417,848, C>G. VCF-style: chr19-50417848-C-G. GRCh37 (hg19) VCF-style: chr19-50921105-C-G.
Other names: c.3225C>G, p.Asp1075Glu (NM_001256849.1); c.3303C>G, p.Asp1101Glu (NM_001308632.1); c.3225C>G (NM_002691.2); short protein forms D1075E, D1101E.
Identifiers: ClinVar variation 857625 (VCV000857625.10), dbSNP rs2039392032, ClinGen allele CA406987680.
Genomic context (GRCh38, chr19:50,417,848, plus strand): 5'-GGCTGGGCACTGGGCCTTGGCTGGTCCTGACCCTGCCCCTGCCCCCACCCGCAGCCGGGA[C>G]TGCCCCATCTTCTACATGCGCAAGAAGGTGCGGAAGGACCTGGAAGACCAGGAGCAGCTC-3'
Protein context (NP_002682.2, residues 1065-1085): LHEDVICTSR[Asp1075Glu]CPIFYMRKKV